The following is an entry in ClinVar:

NM_000170.3(GLDC):c.38G>A (p.Gly13Asp)

Gene: GLDC (glycine decarboxylase; minus strand). Cytogenetic location: 9p24.1.
Variant type: single nucleotide variant.
Coding change: c.38G>A on transcript NM_000170.3 (MANE Select); coding-DNA position 38, G replaced by A.
Protein change: p.Gly13Asp; replaces glycine 13 with aspartic acid.
Molecular consequence: missense variant.
Genome position (GRCh38, 1-based): chr9:6,645,462, C>T on the plus strand (G>A on the coding strand, the complement: GLDC is on the minus strand). VCF-style: chr9-6645462-C-T. GRCh37 (hg19) VCF-style: chr9-6645462-C-T.
Other names: short protein forms G13D.
Identifiers: ClinVar variation 1405465 (VCV001405465.8), dbSNP rs1819728208, ClinGen allele CA372887482.

ClinVar aggregate classification (germline): Uncertain significance (1 of 4 stars; one submission).

Conditions:
Glycine encephalopathy. Also called: Nonketotic hyperglycinemia; Non-ketotic hyperglycinemia. Identifiers: Orphanet 407, MedGen C0751748, MONDO:0011612, HP:0008288.

Allele frequency attached by ClinVar (database versions not stated): gnomAD 0.00001.

Submission:

Labcorp Genetics (formerly Invitae), Labcorp
Classification: Uncertain significance for Glycine encephalopathy. Last evaluated: 2022-10-14. Review status: criteria provided, single submitter. Criteria: Invitae Variant Classification Sherloc (09022015). Collection method: clinical testing. Allele origin: germline.
Comment: In summary, the available evidence is currently insufficient to determine the role of this variant in disease. Therefore, it has been classified as a Variant of Uncertain Significance. Advanced modeling of protein sequence and biophysical properties (such as structural, functional, and spatial information, amino acid conservation, physicochemical variation, residue mobility, and thermodynamic stability) performed at Invitae indicates that this missense variant is not expected to disrupt GLDC protein function. ClinVar contains an entry for this variant (Variation ID: 1405465). This variant has not been reported in the literature in individuals affected with GLDC-related conditions. This variant is not present in population databases (gnomAD no frequency). This sequence change replaces glycine, which is neutral and non-polar, with aspartic acid, which is acidic and polar, at codon 13 of the GLDC protein (p.Gly13Asp).